The following is an entry in ClinVar:

ClinVar aggregate classification (germline): Uncertain significance (1 of 4 stars; one submission).

Conditions:
Mucopolysaccharidosis, MPS-III-B (MPS3B). Also called: N-ACETYL-ALPHA-D-GLUCOSAMINIDASE DEFICIENCY; NAGLU DEFICIENCY; SANFILIPPO SYNDROME B; MPS III B; Mucopolysaccharidosis type IIIB (Sanfilippo B); MPS IIIB (Sanfilippo Syndrome Type B). Identifiers: Orphanet 79270, MedGen C0086648, MONDO:0009656, OMIM 252920.
Charcot-Marie-Tooth disease axonal type 2V. Also called: CHARCOT-MARIE-TOOTH NEUROPATHY, TYPE 2V; CHARCOT-MARIE-TOOTH DISEASE, AXONAL, AUTOSOMAL DOMINANT, TYPE 2V. Identifiers: Orphanet 447964, MedGen C5569050, MONDO:0014665, OMIM 616491.

Submission:

Labcorp Genetics (formerly Invitae), Labcorp
Classification: Uncertain significance for Charcot-Marie-Tooth disease axonal type 2V; Mucopolysaccharidosis, MPS-III-B. Last evaluated: 2024-12-02. Review status: criteria provided, single submitter. Criteria: Invitae Variant Classification Sherloc (09022015). Collection method: clinical testing. Allele origin: germline.
Comment: This sequence change replaces arginine, which is basic and polar, with leucine, which is neutral and non-polar, at codon 109 of the NAGLU protein (p.Arg109Leu). This variant is not present in population databases (gnomAD no frequency). This variant has not been reported in the literature in individuals affected with NAGLU-related conditions. ClinVar contains an entry for this variant (Variation ID: 2016039). Invitae Evidence Modeling of protein sequence and biophysical properties (such as structural, functional, and spatial information, amino acid conservation, physicochemical variation, residue mobility, and thermodynamic stability) has been performed for this missense variant. However, the output from this modeling did not meet the statistical confidence thresholds required to predict the impact of this variant on NAGLU protein function. In summary, the available evidence is currently insufficient to determine the role of this variant in disease. Therefore, it has been classified as a Variant of Uncertain Significance.

NM_000263.4(NAGLU):c.326G>T (p.Arg109Leu)

Gene: NAGLU (N-acetyl-alpha-glucosaminidase; plus strand). Cytogenetic location: 17q21.2.
Variant type: single nucleotide variant.
Coding change: c.326G>T on transcript NM_000263.4 (MANE Select); coding-DNA position 326, G replaced by T.
Protein change: p.Arg109Leu; replaces arginine 109 with leucine.
Molecular consequence: missense variant.
Genome position (GRCh38, 1-based): chr17:42,536,598, G>T. VCF-style: chr17-42536598-G-T. GRCh37 (hg19) VCF-style: chr17-40688616-G-T.
Other names: short protein forms R109L.
Identifiers: ClinVar variation 2016039 (VCV002016039.4), dbSNP rs1224387286, ClinGen allele CA399596112.
Genomic context (GRCh38, chr17:42,536,598, plus strand): 5'-TGCACCGCTACCTGCGCGACTTCTGTGGCTGCCACGTGGCCTGGTCCGGCTCTCAGCTGC[G>T]CCTGCCGCGGCCACTGCCAGCCGTGCCGGGGGAGCTGACCGAGGCCACGCCCAACAGGTA-3'
Protein context (NP_000254.2, residues 99-119): CHVAWSGSQL[Arg109Leu]LPRPLPAVPG